The following is an entry in ClinVar:

ClinVar aggregate classification (germline): Uncertain significance (1 of 4 stars; one submission).

Conditions:
Long QT syndrome (LQTS). Identifiers: MedGen C0023976, MeSH D008133, MONDO:0002442. Disease mechanism: loss of function. Inheritance: Various modes of inheritance.

Allele frequency attached by ClinVar (database versions not stated): gnomAD exomes below 0.00001.
gnomAD v4.1: 1 of 1,613,040 alleles (0.000062%); highest among the groups gnomAD compares: Non-Finnish European, 0.000085%; no homozygotes.

Submission:

Labcorp Genetics (formerly Invitae), Labcorp
Classification: Uncertain significance for Long QT syndrome. Last evaluated: 2025-05-12. Review status: criteria provided, single submitter. Criteria: Invitae Variant Classification Sherloc (09022015). Collection method: clinical testing. Allele origin: germline.
Comment: This sequence change falls in intron 19 of the CACNA1C gene. It does not directly change the encoded amino acid sequence of the CACNA1C protein. This variant is not present in population databases (gnomAD no frequency). This variant has not been reported in the literature in individuals affected with CACNA1C-related conditions. ClinVar contains an entry for this variant (Variation ID: 2900155). Algorithms developed to predict the effect of sequence changes on RNA splicing suggest that this variant may create or strengthen a splice site. In summary, the available evidence is currently insufficient to determine the role of this variant in disease. Therefore, it has been classified as a Variant of Uncertain Significance.

NM_000719.7(CACNA1C):c.2663+18G>A

Gene: CACNA1C (calcium voltage-gated channel subunit alpha1 C; plus strand). Cytogenetic location: 12p13.33.
Variant type: single nucleotide variant.
Coding change: c.2663+18G>A on transcript NM_000719.7 (MANE Select); 18 bases into the intron after coding-DNA position 2663, G replaced by A.
Molecular consequence: intron variant.
Genome position (GRCh38, 1-based): chr12:2,593,363, G>A. VCF-style: chr12-2593363-G-A. GRCh37 (hg19) VCF-style: chr12-2702529-G-A.
Other names: c.2663+18G>A (NM_001167624.3, NM_001167623.2, NM_001167625.2 and 18 more transcripts); c.2654+18G>A (NM_001129844.2).
Identifiers: ClinVar variation 2900155 (VCV002900155.3), dbSNP rs2516473108, ClinGen allele CA2617066490.
Genomic context (GRCh38, chr12:2,593,363, plus strand): 5'-TGCCAGAAGCCAGCGCGTTTTTCATCTTCAGCTCTAACAACAGGTGTGCAGCAATGGTGG[G>A]GAAGGTGGGGTCCTGCTCTCTCTAGTACCAGCCTGGCAGTTGCCTGTATTTTACCTGAAC-3'